The following is an entry in ClinVar:

NM_001184.4(ATR):c.6592C>T (p.Leu2198Phe)

Gene: ATR (ATR checkpoint kinase; minus strand). Cytogenetic location: 3q23.
Variant type: single nucleotide variant.
Coding change: c.6592C>T on transcript NM_001184.4 (MANE Select); coding-DNA position 6592, C replaced by T.
Protein change: p.Leu2198Phe; replaces leucine 2198 with phenylalanine.
Molecular consequence: missense variant.
Genome position (GRCh38, 1-based): chr3:142,468,029, G>A on the plus strand (C>T on the coding strand, the complement: ATR is on the minus strand). VCF-style: chr3-142468029-G-A. GRCh37 (hg19) VCF-style: chr3-142186871-G-A.
Other names: c.6400C>T, p.Leu2134Phe (NM_001354579.2); short protein forms L2134F, L2198F.
Identifiers: ClinVar variation 1754366 (VCV001754366.4), dbSNP rs2108276162, ClinGen allele CA354803679.

ClinVar aggregate classification (germline): Uncertain significance. Review status: criteria provided, multiple submitters, no conflicts (2 of 4 stars). 2 submissions from 2 submitters: Uncertain significance (2). Last evaluated 2024-06-14.

Conditions:
Inborn genetic diseases. Identifiers: MedGen C0950123, MeSH D030342.

Allele frequency attached by ClinVar (database versions not stated): gnomAD exomes below 0.00001.
gnomAD v4.1: 1 of 1,612,706 alleles (0.000062%); highest among the groups gnomAD compares: Non-Finnish European, 0.000085%; no homozygotes.

Submissions (2):

Labcorp Genetics (formerly Invitae), Labcorp
Classification: Uncertain significance. Last evaluated: 2024-06-14. Review status: criteria provided, single submitter. Criteria: Invitae Variant Classification Sherloc (09022015). Collection method: clinical testing. Allele origin: germline.
Comment: This sequence change replaces leucine, which is neutral and non-polar, with phenylalanine, which is neutral and non-polar, at codon 2198 of the ATR protein (p.Leu2198Phe). This variant is not present in population databases (gnomAD no frequency). This variant has not been reported in the literature in individuals affected with ATR-related conditions. ClinVar contains an entry for this variant (Variation ID: 1754366). An algorithm developed to predict the effect of missense changes on protein structure and function (PolyPhen-2) suggests that this variant is likely to be tolerated. In summary, the available evidence is currently insufficient to determine the role of this variant in disease. Therefore, it has been classified as a Variant of Uncertain Significance.

Ambry Genetics
Classification: Uncertain significance for Inborn genetic diseases. Last evaluated: 2024-01-25. Review status: criteria provided, single submitter. Criteria: Ambry Variant Classification Scheme 2023. Collection method: clinical testing. Allele origin: germline.
Comment: The p.L2198F variant (also known as c.6592C>T), located in coding exon 39 of the ATR gene, results from a C to T substitution at nucleotide position 6592. The leucine at codon 2198 is replaced by phenylalanine, an amino acid with highly similar properties. This amino acid position is conserved. In addition, this alteration is predicted to be tolerated by in silico analysis. Since supporting evidence is limited at this time, the clinical significance of this alteration remains unclear.